The following is an entry in ClinVar:

ClinVar aggregate classification (germline): Likely benign (1 of 4 stars; one submission).

Submission:

CeGaT Center for Human Genetics Tuebingen
Classification: Likely benign. Last evaluated: 2022-11-01. Review status: criteria provided, single submitter. Criteria: CeGaT Center For Human Genetics Tuebingen Variant Classification Criteria Version 2. Collection method: clinical testing. Allele origin: germline. Affected: yes. Observed: 1 variant allele.
Comment: SAGE1: PM2:Supporting, BP4, BP7

NM_001381902.1(SAGE1):c.2085T>G (p.Val695=)

Gene: SAGE1 (sarcoma antigen 1; plus strand). Cytogenetic location: Xq26.3.
Variant type: single nucleotide variant.
Coding change: c.2085T>G on transcript NM_001381902.1 (MANE Select); coding-DNA position 2085, T replaced by G.
Protein change: p.Val695=; no amino-acid change (valine 695 retained).
Molecular consequence: synonymous variant.
Genome position (GRCh38, 1-based): chrX:135,911,271, T>G. VCF-style: chrX-135911271-T-G. GRCh37 (hg19) VCF-style: chrX-134993430-T-G.
Other names: c.2085T>G, p.Val695= (NM_018666.3).
Identifiers: ClinVar variation 2661493 (VCV002661493.24), dbSNP rs782339744, ClinGen allele CA518495578.